The following is an entry in ClinVar:

ClinVar aggregate classification (germline): Uncertain significance (1 of 4 stars; one submission).

Allele frequency attached by ClinVar (database versions not stated): gnomAD 0.00001; gnomAD exomes 0.00001; TOPMed 0.00001; ExAC 0.00002.
gnomAD v4.1: 6 of 1,614,048 alleles (0.00037%); highest among the groups gnomAD compares: Admixed American, 0.005%; no homozygotes.

Submission:

Labcorp Genetics (formerly Invitae), Labcorp
Classification: Uncertain significance. Last evaluated: 2022-05-29. Review status: criteria provided, single submitter. Criteria: Invitae Variant Classification Sherloc (09022015). Collection method: clinical testing. Allele origin: germline.
Comment: In summary, the available evidence is currently insufficient to determine the role of this variant in disease. Therefore, it has been classified as a Variant of Uncertain Significance. Algorithms developed to predict the effect of missense changes on protein structure and function are either unavailable or do not agree on the potential impact of this missense change (SIFT: "Tolerated"; PolyPhen-2: "Probably Damaging"; Align-GVGD: "Class C0"). This variant has not been reported in the literature in individuals affected with LRRK1-related conditions. This variant is present in population databases (rs780409265, gnomAD 0.009%). This sequence change replaces isoleucine, which is neutral and non-polar, with threonine, which is neutral and polar, at codon 1472 of the LRRK1 protein (p.Ile1472Thr).

NM_024652.6(LRRK1):c.4415T>C (p.Ile1472Thr)

Genes: LRRK1 (leucine rich repeat kinase 1; plus strand), LRRK1-AS1 (LRRK1 antisense RNA 1; minus strand). Cytogenetic location: 15q26.3.
Variant type: single nucleotide variant.
Coding change: c.4415T>C on transcript NM_024652.6 (MANE Select); coding-DNA position 4415, T replaced by C.
Protein change: p.Ile1472Thr; replaces isoleucine 1472 with threonine.
Molecular consequence: missense variant.
Genome position (GRCh38, 1-based): chr15:101,056,938, T>C. VCF-style: chr15-101056938-T-C. GRCh37 (hg19) VCF-style: chr15-101597143-T-C.
Other names: short protein forms I1472T.
Identifiers: ClinVar variation 1921202 (VCV001921202.5), dbSNP rs780409265, ClinGen allele CA7761834.